The following is an entry in ClinVar:

ClinVar aggregate classification (germline): Conflicting classifications of pathogenicity. Review status: criteria provided, conflicting classifications (1 of 4 stars). 2 submissions from 2 submitters: Uncertain significance (1); Likely benign (1). Last evaluated 2025-08-05.

Conditions:
F8-related disorder. Also called: F8-related condition.
Inborn genetic diseases. Identifiers: MedGen C0950123, MeSH D030342.

Allele frequency attached by ClinVar (database versions not stated): gnomAD 0.00004; gnomAD exomes 0.00005; ExAC 0.00006; TOPMed 0.00006.
gnomAD v4.1: 27 of 1,210,129 alleles (0.0022%); highest among the groups gnomAD compares: Admixed American, 0.057%; no homozygotes.

Submissions (2):

PreventionGenetics, part of Exact Sciences
Classification: Likely benign for F8-related condition. Last evaluated: 2025-08-05. Review status: criteria provided, single submitter. Criteria: ACMG Guidelines, 2015. Collection method: clinical testing. Allele origin: germline.
Comment: This variant is classified as likely benign based on ACMG/AMP sequence variant interpretation guidelines (Richards et al. 2015 PMID: 25741868, with internal and published modifications).

Ambry Genetics
Classification: Uncertain significance for Inborn genetic diseases. Last evaluated: 2023-01-24. Review status: criteria provided, single submitter. Criteria: Ambry Variant Classification Scheme 2023. Collection method: clinical testing. Allele origin: germline.

NM_000132.4(F8):c.4820A>T (p.Glu1607Val)

Gene: F8 (coagulation factor VIII; minus strand). Cytogenetic location: Xq28.
Variant type: single nucleotide variant.
Coding change: c.4820A>T on transcript NM_000132.4 (MANE Select); coding-DNA position 4820, A replaced by T.
Protein change: p.Glu1607Val; replaces glutamic acid 1607 with valine.
Molecular consequence: missense variant.
Genome position (GRCh38, 1-based): chrX:154,928,970, T>A on the plus strand (A>T on the coding strand, the complement: F8 is on the minus strand). VCF-style: chrX-154928970-T-A. GRCh37 (hg19) VCF-style: chrX-154157245-T-A.
Other names: short protein forms E1607V.
Identifiers: ClinVar variation 2461109 (VCV002461109.3), dbSNP rs782716843, ClinGen allele CA10568072.